The following is an entry in ClinVar:

ClinVar aggregate classification (germline): Uncertain significance. Review status: criteria provided, single submitter (1 of 4 stars). 2 submissions from 2 submitters: Uncertain significance (1). 1 of the submissions does not count toward it. Last evaluated 2024-04-09.

Conditions:
Peroxisome biogenesis disorder 3A (Zellweger). Also called: Peroxisome biogenesis disorder 3A; PEROXISOMAL BIOGENESIS DISORDER 3A (ZELLWEGER). Identifiers: Orphanet 912, MedGen C3553929, MONDO:0013927, OMIM 614859.
Peroxisome biogenesis disorder type 3B. Identifiers: Orphanet 44, Orphanet 772, MedGen C3550693, MONDO:0009959, OMIM 266510.

Allele frequency attached by ClinVar (database versions not stated): gnomAD exomes below 0.00001.

Submissions (2):

Labcorp Genetics (formerly Invitae), Labcorp
Classification: Uncertain significance for Peroxisome biogenesis disorder 3A (Zellweger). Last evaluated: 2024-04-09. Review status: criteria provided, single submitter. Criteria: Invitae Variant Classification Sherloc (09022015). Collection method: clinical testing. Allele origin: germline.
Comment: This variant, c.865_870del, results in the deletion of 2 amino acid(s) of the PEX12 protein (p.Asp289_Tyr290del), but otherwise preserves the integrity of the reading frame. This variant is present in population databases (no rsID available, gnomAD 0.003%). This variant has not been reported in the literature in individuals affected with PEX12-related conditions. ClinVar contains an entry for this variant (Variation ID: 552385). Experimental studies and prediction algorithms are not available or were not evaluated, and the functional significance of this variant is currently unknown. In summary, the available evidence is currently insufficient to determine the role of this variant in disease. Therefore, it has been classified as a Variant of Uncertain Significance.

Counsyl
Classification: Uncertain significance for Peroxisome biogenesis disorder type 3B; Peroxisome biogenesis disorder 3A (Zellweger). Last evaluated: 2017-06-08. Review status: no assertion criteria provided. Collection method: clinical testing. Allele origin: unknown. Not counted in ClinVar's aggregate classification.

NM_000286.3(PEX12):c.865_870del (p.Asp289_Tyr290del)

Gene: PEX12 (peroxisomal biogenesis factor 12; minus strand). Cytogenetic location: 17q12.
Variant type: Deletion.
Coding change: c.865_870del on transcript NM_000286.3 (MANE Select); coding-DNA positions 865 to 870, 6 bases deleted (GACTAT; older notation c.865_870delGACTAT).
Protein change: p.Asp289_Tyr290del.
Molecular consequence: inframe deletion.
Genome position (GRCh38, 1-based): chr17:35,575,992-35,575,997, ATAGTC deleted on the plus strand (GACTAT on the coding strand, the reverse complement: PEX12 is on the minus strand). VCF-style (leftmost placement, unchanged base first): chr17-35575991-TATAGTC-T. GRCh37 (hg19) VCF-style: chr17-33903010-TATAGTC-T.
Identifiers: ClinVar variation 552385 (VCV000552385.4), dbSNP rs1366848752, ClinGen allele CA625783434.
Genomic context (GRCh38, chr17:35,575,991, plus strand): 5'-GGGTTTTACGACACAGTGGGCACACAGTCTTCATTTTGGGTAAGAGGGGAGAATCAGAGT[TATAGTC>T]TAGGTGTACAGGTGGTGGTGGAGTAGGCAGGGCAGTCAATGACTTGATGGTTTCTTGATT-3'